The following is an entry in ClinVar:

ClinVar aggregate classification (germline): Benign/Likely benign. Review status: criteria provided, multiple submitters, no conflicts (2 of 4 stars). 3 submissions from 3 submitters: Benign (1); Likely benign (2). Last evaluated 2024-07-18.

Conditions:
Familial cancer of breast. Also called: BREAST CANCER, FAMILIAL; hereditary breast carcinoma; Hereditary breast cancer. Identifiers: Orphanet 227535, MedGen C0346153, MONDO:0016419, OMIM 114480. Disease mechanism: loss of function.
Hereditary cancer-predisposing syndrome. Also called: Neoplastic Syndromes, Hereditary; Tumor predisposition; Hereditary Cancer Syndrome; Hereditary neoplastic syndrome. Identifiers: Orphanet 140162, MedGen C0027672, MeSH D009386, MONDO:0015356.

Allele frequency attached by ClinVar (database versions not stated): TOPMed below 0.00001; gnomAD 0.00001.

Submissions (3):

Myriad Genetics, Inc.
Classification: Benign for Familial cancer of breast. Last evaluated: 2024-07-18. Review status: criteria provided, single submitter. Criteria: Myriad Autosomal Dominant, Autosomal Recessive and X-Linked Classification Criteria (2023). Collection method: clinical testing. Allele origin: unknown.
Comment: This variant is considered benign. This variant is a silent/synonymous amino acid change and it is not expected to impact splicing.

Labcorp Genetics (formerly Invitae), Labcorp
Classification: Likely benign for Familial cancer of breast. Last evaluated: 2024-07-16. Review status: criteria provided, single submitter. Criteria: Invitae Variant Classification Sherloc (09022015). Collection method: clinical testing. Allele origin: germline.

Ambry Genetics
Classification: Likely benign for Hereditary cancer-predisposing syndrome. Last evaluated: 2015-07-23. Review status: criteria provided, single submitter. Criteria: Ambry Variant Classification Scheme 2023. Collection method: clinical testing. Allele origin: germline.

NM_000465.4(BARD1):c.6G>T (p.Pro2=)

Gene: BARD1 (BRCA1 associated RING domain 1; minus strand). Cytogenetic location: 2q35.
Variant type: single nucleotide variant.
Coding change: c.6G>T on transcript NM_000465.4 (MANE Select); coding-DNA position 6, G replaced by T.
Protein change: p.Pro2=; no amino-acid change (proline 2 retained).
Molecular consequence: synonymous variant. On other transcripts: non-coding transcript variant (3).
Genome position (GRCh38, 1-based): chr2:214,809,564, C>A on the plus strand (G>T on the coding strand, the complement: BARD1 is on the minus strand). VCF-style: chr2-214809564-C-A. GRCh37 (hg19) VCF-style: chr2-215674288-C-A.
Other names: c.6G>T, p.Pro2= (NM_001282543.2, NM_001282545.2, NM_001282548.2 and 1 more transcripts).
Identifiers: ClinVar variation 233236 (VCV000233236.16), dbSNP rs876660278, ClinGen allele CA10577874.